The following is an entry in ClinVar:

ClinVar aggregate classification (germline): Pathogenic (1 of 4 stars; one submission).

Conditions:
Gorlin syndrome. Also called: Basal cell nevus syndrome; Nevoid Basal Cell Carcinoma Syndrome. Identifiers: Orphanet 377, MedGen C0004779, MONDO:0007187.
Medulloblastoma (MDB). Also called: Medulloblastoma, somatic; MEDULLOBLASTOMA PREDISPOSITION SYNDROME. Identifiers: Orphanet 616, MedGen C0025149, MeSH D008527, MONDO:0007959, OMIM 155255, HP:0002885.

Submission:

Labcorp Genetics (formerly Invitae), Labcorp
Classification: Pathogenic for Gorlin syndrome; Medulloblastoma. Last evaluated: 2022-04-10. Review status: criteria provided, single submitter. Criteria: Invitae Variant Classification Sherloc (09022015). Collection method: clinical testing. Allele origin: germline.
Comment: For these reasons, this variant has been classified as Pathogenic. This variant has not been reported in the literature in individuals affected with SUFU-related conditions. This variant is not present in population databases (gnomAD no frequency). This sequence change creates a premature translational stop signal (p.Asp47Serfs*48) in the SUFU gene. It is expected to result in an absent or disrupted protein product. Loss-of-function variants in SUFU are known to be pathogenic (PMID: 22508808, 25403219).

Literature cited by the submitters: PubMed 22508808; PubMed 25403219.

NM_016169.4(SUFU):c.138_141del (p.Asp47fs)

Gene: SUFU (SUFU negative regulator of hedgehog signaling; plus strand). Cytogenetic location: 10q24.32.
Variant type: Deletion.
Coding change: c.138_141del on transcript NM_016169.4 (MANE Select); coding-DNA positions 138 to 141, 4 bases deleted (TGAC; older notation c.138_141delTGAC).
Protein change: p.Asp47fs; shifts the reading frame from aspartic acid 47.
Molecular consequence: frameshift variant.
Genome position (GRCh38, 1-based): chr10:102,504,290-102,504,293, TGAC deleted; deleting any 4 consecutive bases within chr10:102,504,289-102,504,293 gives the same sequence; the c. name uses the placement nearest the transcript's 3' end. VCF-style (leftmost placement, unchanged base first): chr10-102504288-CCTGA-C. GRCh37 (hg19) VCF-style: chr10-104264045-CCTGA-C.
Other names: c.138_141del, p.Asp47fs (NM_001178133.2); short protein forms D47fs.
Identifiers: ClinVar variation 2124069 (VCV002124069.4), dbSNP rs2544831569, ClinGen allele CA2580081197.